The following is an entry in ClinVar:

NM_001369.3(DNAH5):c.9040A>G (p.Thr3014Ala)

Gene: DNAH5 (dynein axonemal heavy chain 5; minus strand). Cytogenetic location: 5p15.2.
Variant type: single nucleotide variant.
Coding change: c.9040A>G on transcript NM_001369.3 (MANE Select); coding-DNA position 9040, A replaced by G.
Protein change: p.Thr3014Ala; replaces threonine 3014 with alanine.
Molecular consequence: missense variant.
Genome position (GRCh38, 1-based): chr5:13,777,267, T>C on the plus strand (A>G on the coding strand, the complement: DNAH5 is on the minus strand). VCF-style: chr5-13777267-T-C. GRCh37 (hg19) VCF-style: chr5-13777376-T-C.
Other names: short protein forms T3014A.
Identifiers: ClinVar variation 4888062 (VCV004888062.1).
Genomic context (GRCh38, chr5:13,777,267, plus strand): 5'-CTGATGATAAAACATTGTTCATATATTCCAAAAATGACTCATCTTTAATCTCATTGTCTG[T>C]GAAAATAAAAGTGATTCCTTTGCCTTGCTGACCAGCTGTTCGATACAAAACCTTCAGATC-3'
Protein context (NP_001360.1, residues 3004-3024): QQGKGITFIF[Thr3014Ala]DNEIKDESFL

ClinVar aggregate classification (germline): Uncertain significance (1 of 4 stars; one submission).

gnomAD v4.1: 1 of 1,613,292 alleles (0.000062%); highest among the groups gnomAD compares: Non-Finnish European, 0.000085%; no homozygotes.

Submission:

GeneDx
Classification: Uncertain significance. Last evaluated: 2026-02-05. Review status: criteria provided, single submitter. Criteria: GeneDx Variant Classification Process June 2021. Collection method: clinical testing. Allele origin: germline.
Comment: Not observed at significant frequency in large population cohorts (gnomAD); In silico analysis supports that this missense variant has a deleterious effect on protein structure/function; Has not been previously published as pathogenic or benign to our knowledge